The following is an entry in ClinVar:

NM_020964.3(EPG5):c.5033A>C (p.Asp1678Ala)

Gene: EPG5 (ectopic P-granules 5 autophagy tethering factor; minus strand). Cytogenetic location: 18q12.3.
Variant type: single nucleotide variant.
Coding change: c.5033A>C on transcript NM_020964.3 (MANE Select); coding-DNA position 5033, A replaced by C.
Protein change: p.Asp1678Ala; replaces aspartic acid 1678 with alanine.
Molecular consequence: missense variant.
Genome position (GRCh38, 1-based): chr18:45,887,827, T>G on the plus strand (A>C on the coding strand, the complement: EPG5 is on the minus strand). VCF-style: chr18-45887827-T-G. GRCh37 (hg19) VCF-style: chr18-43467792-T-G.
Other names: short protein forms D1678A.
Identifiers: ClinVar variation 941204 (VCV000941204.10), dbSNP rs2049251601, ClinGen allele CA402346307.

ClinVar aggregate classification (germline): Uncertain significance (1 of 4 stars; one submission).

Conditions:
Vici syndrome (VICIS). Identifiers: Orphanet 1493, MedGen C1855772, MONDO:0009452, OMIM 242840.

Submission:

Labcorp Genetics (formerly Invitae), Labcorp
Classification: Uncertain significance for Vici syndrome. Last evaluated: 2023-08-11. Review status: criteria provided, single submitter. Criteria: Invitae Variant Classification Sherloc (09022015). Collection method: clinical testing. Allele origin: germline.
Comment: In summary, the available evidence is currently insufficient to determine the role of this variant in disease. Therefore, it has been classified as a Variant of Uncertain Significance. Advanced modeling of protein sequence and biophysical properties (such as structural, functional, and spatial information, amino acid conservation, physicochemical variation, residue mobility, and thermodynamic stability) performed at Invitae indicates that this missense variant is not expected to disrupt EPG5 protein function. This variant has not been reported in the literature in individuals affected with EPG5-related conditions. ClinVar contains an entry for this variant (Variation ID: 941204). This variant is not present in population databases (gnomAD no frequency). This sequence change replaces aspartic acid, which is acidic and polar, with alanine, which is neutral and non-polar, at codon 1678 of the EPG5 protein (p.Asp1678Ala).